The following is an entry in ClinVar:

ClinVar aggregate classification (germline): Uncertain significance (1 of 4 stars; one submission).

Conditions:
Gastrointestinal stromal tumor. Also called: Gastrointestinal stromal tumor, somatic; Gastrointestinal stroma tumor. Identifiers: Orphanet 44890, MedGen C0238198, MeSH D046152, MONDO:0011719, OMIM 606764, HP:0100723.

Submission:

Labcorp Genetics (formerly Invitae), Labcorp
Classification: Uncertain significance for Gastrointestinal stromal tumor. Last evaluated: 2023-08-23. Review status: criteria provided, single submitter. Criteria: Invitae Variant Classification Sherloc (09022015). Collection method: clinical testing. Allele origin: germline.
Comment: This variant is not present in population databases (gnomAD no frequency). This sequence change replaces phenylalanine, which is neutral and non-polar, with tyrosine, which is neutral and polar, at codon 681 of the KIT protein (p.Phe681Tyr). This variant has not been reported in the literature in individuals affected with KIT-related conditions. In summary, the available evidence is currently insufficient to determine the role of this variant in disease. Therefore, it has been classified as a Variant of Uncertain Significance. An algorithm developed to predict the effect of missense changes on protein structure and function (PolyPhen-2) suggests that this variant is likely to be tolerated.

NM_000222.3(KIT):c.2042T>A (p.Phe681Tyr)

Gene: KIT (KIT proto-oncogene, receptor tyrosine kinase; plus strand). Cytogenetic location: 4q12.
Variant type: single nucleotide variant.
Coding change: c.2042T>A on transcript NM_000222.3 (MANE Select); coding-DNA position 2042, T replaced by A.
Protein change: p.Phe681Tyr; replaces phenylalanine 681 with tyrosine.
Molecular consequence: missense variant.
Genome position (GRCh38, 1-based): chr4:54,729,386, T>A. VCF-style: chr4-54729386-T-A. GRCh37 (hg19) VCF-style: chr4-55595552-T-A.
Other names: c.2030T>A, p.Phe677Tyr (NM_001093772.2, NM_001385286.1); c.2045T>A, p.Phe682Tyr (NM_001385284.1, NM_001385290.1); c.2042T>A, p.Phe681Tyr (NM_001385285.1); c.2033T>A, p.Phe678Tyr (NM_001385288.1, NM_001385292.1); short protein forms F677Y, F682Y, F678Y, F681Y.
Identifiers: ClinVar variation 2754597 (VCV002754597.3), dbSNP rs2475554746, ClinGen allele CA356909433.